The following is an entry in ClinVar:

NM_000089.4(COL1A2):c.*605A>G

Gene: COL1A2 (collagen type I alpha 2 chain; plus strand). Cytogenetic location: 7q21.3.
Variant type: single nucleotide variant.
Coding change: c.*605A>G on transcript NM_000089.4 (MANE Select); 605 bases downstream of the stop codon, A replaced by G.
Molecular consequence: 3 prime UTR variant.
Genome position (GRCh38, 1-based): chr7:94,430,998, A>G. VCF-style: chr7-94430998-A-G. GRCh37 (hg19) VCF-style: chr7-94060310-A-G.
Identifiers: ClinVar variation 360981 (VCV000360981.5), dbSNP rs537557756, ClinGen allele CA10629674.

ClinVar aggregate classification (germline): Benign. Review status: criteria provided, single submitter (1 of 4 stars). 2 submissions from 1 submitter: Benign (2). Last evaluated 2018-01-12.

Conditions:
Ehlers-Danlos syndrome, arthrochalasia type, 2. Also called: EHLERS-DANLOS SYNDROME, TYPE VIIB, AUTOSOMAL DOMINANT. Identifiers: MedGen CN293783, MONDO:0040501, OMIM 617821.
Osteogenesis imperfecta (OI). Identifiers: Orphanet 666, MedGen C0029434, MeSH D010013, MONDO:0019019.

Allele frequency attached by ClinVar (database versions not stated): 1000 Genomes Project 0.00040; 1000 Genomes Project 30x 0.00047; gnomAD 0.00162 and 0.00181; TOPMed 0.00179.

Submissions (2):

Illumina Laboratory Services, Illumina
Classification: Benign for Ehlers-Danlos syndrome, arthrochalasia type, 2. Last evaluated: 2018-01-12. Review status: criteria provided, single submitter. Criteria: ICSL Variant Classification Criteria 13 December 2019. Collection method: clinical testing. Allele origin: germline.
Comment: This variant was observed in the ICSL laboratory as part of a predisposition screen in an ostensibly healthy population. It had not been previously curated by ICSL or reported in the Human Gene Mutation Database (HGMD: prior to June 1st, 2018), and was therefore a candidate for classification through an automated scoring system. Utilizing variant allele frequency, disease prevalence and penetrance estimates, and inheritance mode, an automated score was calculated to assess if this variant is too frequent to cause the disease. Based on the score and internal cut-off values, a variant classified as benign is not then subjected to further curation. The score for this variant resulted in a classification of benign for this disease.

Illumina Laboratory Services, Illumina
Classification: Benign for Osteogenesis imperfecta. Last evaluated: 2018-01-12. Review status: criteria provided, single submitter. Criteria: ICSL Variant Classification Criteria 13 December 2019. Collection method: clinical testing. Allele origin: germline.
Comment: the same text as in the submission from Illumina Laboratory Services, Illumina above.